The following is an entry in ClinVar:

NM_052963.3(TOP1MT):c.1328G>A (p.Arg443His)

Gene: TOP1MT (DNA topoisomerase I mitochondrial; minus strand). Cytogenetic location: 8q24.3.
Variant type: single nucleotide variant.
Coding change: c.1328G>A on transcript NM_052963.3 (MANE Select); coding-DNA position 1328, G replaced by A.
Protein change: p.Arg443His; replaces arginine 443 with histidine.
Molecular consequence: missense variant.
Genome position (GRCh38, 1-based): chr8:143,317,725, C>T on the plus strand (G>A on the coding strand, the complement: TOP1MT is on the minus strand). VCF-style: chr8-143317725-C-T. GRCh37 (hg19) VCF-style: chr8-144399895-C-T.
Other names: c.1328G>A (NM_052963.1); c.1034G>A, p.Arg345His (NM_001258446.1, NM_001258447.1); short protein forms R443H, R345H.
Identifiers: ClinVar variation 1957606 (VCV001957606.6), dbSNP rs1442565333, ClinGen allele CA4908377.

ClinVar aggregate classification (germline): Uncertain significance. Review status: criteria provided, multiple submitters, no conflicts (2 of 4 stars). 2 submissions from 2 submitters: Uncertain significance (2). Last evaluated 2025-10-23.

Allele frequency attached by ClinVar (database versions not stated): ExAC 0.00003.
gnomAD v4.1: 14 of 1,613,212 alleles (0.00087%); highest among the groups gnomAD compares: Middle Eastern, 0.034%; 1 homozygote.

Submissions (2):

Ambry Genetics
Classification: Uncertain significance. Last evaluated: 2025-10-23. Review status: criteria provided, single submitter. Criteria: Ambry Variant Classification Scheme 2023. Collection method: clinical testing. Allele origin: germline.

Labcorp Genetics (formerly Invitae), Labcorp
Classification: Uncertain significance. Last evaluated: 2022-07-18. Review status: criteria provided, single submitter. Criteria: Invitae Variant Classification Sherloc (09022015). Collection method: clinical testing. Allele origin: germline.
Comment: In summary, the available evidence is currently insufficient to determine the role of this variant in disease. Therefore, it has been classified as a Variant of Uncertain Significance. This sequence change replaces arginine, which is basic and polar, with histidine, which is basic and polar, at codon 443 of the TOP1MT protein (p.Arg443His). This variant is present in population databases (no rsID available, gnomAD 0.01%). This variant has not been reported in the literature in individuals affected with TOP1MT-related conditions. Algorithms developed to predict the effect of missense changes on protein structure and function are either unavailable or do not agree on the potential impact of this missense change (SIFT: "Tolerated"; PolyPhen-2: "Possibly Damaging"; Align-GVGD: "Class C0").